The following is an entry in ClinVar:

ClinVar aggregate classification (germline): Uncertain significance (1 of 4 stars; one submission).

Conditions:
Cystic fibrosis (CF). Also called: MUCOVISCIDOSIS. Identifiers: Orphanet 586, MedGen C0010674, MONDO:0009061, OMIM 219700. Disease mechanism: loss of function.

Submission:

Ambry Genetics
Classification: Uncertain significance for Cystic fibrosis. Last evaluated: 2021-10-16. Review status: criteria provided, single submitter. Criteria: Ambry Variant Classification Scheme 2023. Collection method: clinical testing. Allele origin: germline.
Comment: The p.S478L variant (also known as c.1433C>T), located in coding exon 11 of the CFTR gene, results from a C to T substitution at nucleotide position 1433. The serine at codon 478 is replaced by leucine, an amino acid with dissimilar properties. This amino acid position is conserved. In addition, the in silico prediction for this alteration is inconclusive. Since supporting evidence is limited at this time, the clinical significance of this alteration remains unclear.

NM_000492.4(CFTR):c.1433C>T (p.Ser478Leu)

Genes: CFTR (CF transmembrane conductance regulator; plus strand), CFTR-AS1 (CFTR antisense RNA 1; minus strand). Cytogenetic location: 7q31.2.
Variant type: single nucleotide variant.
Coding change: c.1433C>T on transcript NM_000492.4 (MANE Select); coding-DNA position 1433, C replaced by T.
Protein change: p.Ser478Leu; replaces serine 478 with leucine.
Molecular consequence: missense variant.
Genome position (GRCh38, 1-based): chr7:117,559,504, C>T. VCF-style: chr7-117559504-C-T. GRCh37 (hg19) VCF-style: chr7-117199558-C-T.
Other names: short protein forms S478L.
Identifiers: ClinVar variation 1772553 (VCV001772553.2), dbSNP rs2485065317, ClinGen allele CA368984396.
Genomic context (GRCh38, chr7:117,559,504, plus strand): 5'-ATGATGGGTTTTATTTCCAGACTTCACTTCTAATGGTGATTATGGGAGAACTGGAGCCTT[C>T]AGAGGGTAAAATTAAGCACAGTGGAAGAATTTCATTCTGTTCTCAGTTTTCCTGGATTAT-3'
Protein context (NP_000483.3, residues 468-488): LMVIMGELEP[Ser478Leu]EGKIKHSGRI